The following is an entry in ClinVar:

NM_012193.4(FZD4):c.638G>T (p.Arg213Leu)

Genes: PRSS23 (serine protease 23; plus strand), FZD4 (frizzled class receptor 4; minus strand). Cytogenetic location: 11q14.2.
Variant type: single nucleotide variant.
Coding change: c.638G>T on transcript NM_012193.4 (MANE Select); coding-DNA position 638, G replaced by T.
Protein change: p.Arg213Leu; replaces arginine 213 with leucine.
Molecular consequence: missense variant. On other transcripts: non-coding transcript variant (2).
Genome position (GRCh38, 1-based): chr11:86,952,118, C>A on the plus strand (G>T on the coding strand, the complement: FZD4 is on the minus strand). VCF-style: chr11-86952118-C-A. GRCh37 (hg19) VCF-style: chr11-86663160-C-A.
Other names: short protein forms R213L.
Identifiers: ClinVar variation 1934110 (VCV001934110.5), dbSNP rs374499509, ClinGen allele CA382015145.

ClinVar aggregate classification (germline): Uncertain significance (1 of 4 stars; one submission).

gnomAD v4.1: 5 of 1,613,892 alleles (0.00031%); highest among the groups gnomAD compares: Non-Finnish European, 0.00042%; no homozygotes.

Submission:

Labcorp Genetics (formerly Invitae), Labcorp
Classification: Uncertain significance. Last evaluated: 2024-01-29. Review status: criteria provided, single submitter. Criteria: Invitae Variant Classification Sherloc (09022015). Collection method: clinical testing. Allele origin: germline.
Comment: This sequence change replaces arginine, which is basic and polar, with leucine, which is neutral and non-polar, at codon 213 of the FZD4 protein (p.Arg213Leu). This variant is not present in population databases (gnomAD no frequency). This variant has not been reported in the literature in individuals affected with FZD4-related conditions. ClinVar contains an entry for this variant (Variation ID: 1934110). Advanced modeling of protein sequence and biophysical properties (such as structural, functional, and spatial information, amino acid conservation, physicochemical variation, residue mobility, and thermodynamic stability) performed at Invitae indicates that this missense variant is not expected to disrupt FZD4 protein function with a negative predictive value of 80%. In summary, the available evidence is currently insufficient to determine the role of this variant in disease. Therefore, it has been classified as a Variant of Uncertain Significance.